The following is an entry in ClinVar:

NM_006231.4(POLE):c.3913G>A (p.Gly1305Arg)

Gene: POLE (DNA polymerase epsilon, catalytic subunit; minus strand). Cytogenetic location: 12q24.33.
Variant type: single nucleotide variant.
Coding change: c.3913G>A on transcript NM_006231.4 (MANE Select); coding-DNA position 3913, G replaced by A.
Protein change: p.Gly1305Arg; replaces glycine 1305 with arginine.
Molecular consequence: missense variant.
Genome position (GRCh38, 1-based): chr12:132,649,398, C>T on the plus strand (G>A on the coding strand, the complement: POLE is on the minus strand). VCF-style: chr12-132649398-C-T. GRCh37 (hg19) VCF-style: chr12-133225984-C-T.
Other names: short protein forms G1305R.
Identifiers: ClinVar variation 240489 (VCV000240489.29), dbSNP rs563990655, ClinGen allele CA6893054.

ClinVar aggregate classification (germline): Conflicting classifications of pathogenicity. Review status: criteria provided, conflicting classifications (1 of 4 stars). 9 submissions from 9 submitters: Uncertain significance (2); Benign (1); Likely benign (5). 1 of the submissions does not count toward it. Last evaluated 2026-04-28.

Conditions:
Hereditary cancer-predisposing syndrome. Also called: Tumor predisposition; Hereditary Cancer Syndrome; Neoplastic Syndromes, Hereditary; Hereditary neoplastic syndrome. Identifiers: Orphanet 140162, MedGen C0027672, MeSH D009386, MONDO:0015356.
Carcinoma of colon (CRC). Also called: Colonic carcinoma; Colon carcinoma. Identifiers: MedGen C0699790, MONDO:0002032.

Allele frequency attached by ClinVar (database versions not stated): gnomAD 0.00002 and 0.00013; TOPMed 0.00006; gnomAD exomes 0.00047; ExAC 0.00060; 1000 Genomes Project 0.00100; 1000 Genomes Project 30x 0.00109.
gnomAD v4.1: 354 of 1,613,270 alleles (0.022%); highest among the groups gnomAD compares: South Asian, 0.34%; 5 homozygotes.

Submissions (9):

Women's Health and Genetics/Laboratory Corporation of America, LabCorp
Classification: Likely benign. Last evaluated: 2026-04-28. Review status: criteria provided, single submitter. Criteria: LabCorp Variant Classification Summary - May 2015. Collection method: clinical testing. Allele origin: germline.
Comment: Variant summary: POLE c.3913G>A (p.Gly1305Arg) results in a non-conservative amino acid change in the encoded protein sequence. Algorithms developed to predict the effect of missense changes on protein structure and function are either unavailable or do not agree on the potential impact of this missense change. The variant allele was found at a frequency of 0.00047 in 248076 control chromosomes, predominantly at a frequency of 0.0034 within the South Asian subpopulation in the gnomAD database, including 1 homozygotes. The observed variant frequency within South Asian control individuals in the gnomAD database exceeds the estimated maximal expected allele frequency for disease-causing variants in POLE. c.3913G>A has been observed in individual(s) affected with cancer (Bhai_2021). These report(s) do not provide unequivocal conclusions about association of the variant with Facial Dysmorphism, Immunodeficiency, Livedo, And Short Stature. To our knowledge, no experimental evidence demonstrating an impact on protein function has been reported. The following publication has been ascertained in the context of this evaluation (PMID: 34326862). ClinVar contains an entry for this variant (Variation ID: 240489). Based on the evidence outlined above, the variant was classified as likely benign.

Labcorp Genetics (formerly Invitae), Labcorp
Classification: Likely benign. Last evaluated: 2026-01-20. Review status: criteria provided, single submitter. Criteria: Invitae Variant Classification Sherloc (09022015). Collection method: clinical testing. Allele origin: germline.

CeGaT Center for Human Genetics Tuebingen
Classification: Likely benign. Last evaluated: 2025-05-01. Review status: criteria provided, single submitter. Criteria: CeGaT Center For Human Genetics Tuebingen Variant Classification Criteria Version 2. Collection method: clinical testing. Allele origin: germline. Affected: yes. Observed: 1 variant allele.
Comment: POLE: BP4

Center for Genomic Medicine, Rigshospitalet, Copenhagen University Hospital
Classification: Uncertain significance. Last evaluated: 2025-03-04. Review status: criteria provided, single submitter. Criteria: ACMG Guidelines, 2015. Collection method: clinical testing. Allele origin: germline.

Blueprint Genetics
Classification: Likely benign. Last evaluated: 2024-11-19. Review status: criteria provided, single submitter. Criteria: ACMG Guidelines, 2015. Collection method: clinical testing. Allele origin: germline.

Ambry Genetics
Classification: Benign for Hereditary cancer-predisposing syndrome. Last evaluated: 2024-08-20. Review status: criteria provided, single submitter. Criteria: Ambry Variant Classification Scheme 2023. Collection method: clinical testing. Allele origin: germline.

Sema4
Classification: Likely benign for Hereditary cancer-predisposing syndrome. Last evaluated: 2021-03-10. Review status: criteria provided, single submitter. Criteria: Sema4 Curation Guidelines. Collection method: curation. Allele origin: germline.

GeneDx
Classification: Uncertain significance. Last evaluated: 2018-10-25. Review status: criteria provided, single submitter. Criteria: GeneDx Variant Classification (06012015). Collection method: clinical testing. Allele origin: germline. Affected: yes.
Comment: This variant is denoted POLE c.3913G>A at the cDNA level, p.Gly1305Arg (G1305R) at the protein level, and results in the change of a Glycine to an Arginine (GGG>AGG). This variant has been observed in at least one individual with advanced cancer (Mandelker 2017). POLE Gly1305Arg was observed at an allele frequency of 0.33% (104/30,762) in individuals of South Asian ancestry in large population cohorts (Lek 2016). This variant is not located in a known functional domain. In silico analysis, which includes protein predictors and evolutionary conservation, supports a deleterious effect. Based on currently available evidence, it is unclear whether POLE Gly1305Arg is a pathogenic or benign variant. We consider it to be a variant of uncertain significance.

Department of Pathology and Laboratory Medicine, Sinai Health System
Classification: Likely benign for Carcinoma of colon. Review status: no assertion criteria provided. Collection method: clinical testing. Allele origin: unknown. Affected: yes. Study: The Canadian Open Genetics Repository (COGR). Not counted in ClinVar's aggregate classification.
Comment: The POLE p.Gly1305Arg variant was identified in 1 of 2080 proband chromosomes (frequency: 0.0005) from individuals or families with advanced cancer (Mandelker 2017). The variant was also identified in dbSNP (ID: rs563990655) as "With Uncertain significance allele" and in ClinVar (classified as likely benign by Invitae; and as uncertain significance by GeneDx). The variant was identified in control databases in 116 of 274180 chromosomes (1 homozygous) at a frequency of 0.0004 (Genome Aggregation Database Feb 27, 2017). The variant was observed in the following populations: African in 1 of 23490 chromosomes (freq: 0.00004), Other in 2 of 6406 chromosomes (freq: 0.0003), Latino in 3 of 34380 chromosomes (freq: 0.00009), European in 5 of 124574 chromosomes (freq: 0.00004), Ashkenazi Jewish in 1 of 10048 chromosomes (freq: 0.0001), and South Asian in 104 of 30762 chromosomes (1 homozygous, freq: 0.003; increasing the likelihood this could be a low frequency benign variant); it was not observed in the East Asian or Finnish populations. The p.Gly1305 residue is conserved in mammals and computational analyses (PolyPhen-2, SIFT, AlignGVGD, BLOSUM, MutationTaster) provide inconsistent predictions regarding the impact to the protein; this information is not very predictive of pathogenicity. The variant occurs outside of the splicing consensus sequence and in silico or computational prediction software programs (SpliceSiteFinder, MaxEntScan, NNSPLICE, GeneSplicer) do not predict a difference in splicing. In summary, based on the above information, the clinical significance of this variant cannot be determined with certainty at this time although we would lean towards a more benign role for this variant. This variant is classified as likely benign.

Literature cited by the submitters: PubMed 34326862 (cited by Women's Health and Genetics/Laboratory Corporation of America, LabCorp).